The following is an entry in ClinVar:

NM_058246.4(DNAJB6):c.342C>A (p.Phe114Leu)

Gene: DNAJB6 (DnaJ heat shock protein family (Hsp40) member B6; plus strand). Cytogenetic location: 7q36.3.
Variant type: single nucleotide variant.
Coding change: c.342C>A on transcript NM_058246.4 (MANE Select); coding-DNA position 342, C replaced by A.
Protein change: p.Phe114Leu; replaces phenylalanine 114 with leucine.
Molecular consequence: missense variant.
Genome position (GRCh38, 1-based): chr7:157,367,479, C>A. VCF-style: chr7-157367479-C-A. GRCh37 (hg19) VCF-style: chr7-157160173-C-A.
Other names: c.342C>A, p.Phe114Leu (NM_001363676.1, NM_005494.3); short protein forms F114L.
Identifiers: ClinVar variation 593330 (VCV000593330.17), dbSNP rs373354100, ClinGen allele CA4590459.

ClinVar aggregate classification (germline): Conflicting classifications of pathogenicity. Review status: criteria provided, conflicting classifications (1 of 4 stars). 3 submissions from 3 submitters: Uncertain significance (1); Likely benign (1). 1 of the submissions does not count toward it. Last evaluated 2026-01-18.

Conditions:
DNAJB6-related disorder. Also called: DNAJB6-related condition.
Autosomal dominant limb-girdle muscular dystrophy type 1D (DNAJB6) (LGMDD1). Also called: MUSCULAR DYSTROPHY, LIMB-GIRDLE, TYPE 1D; Autosomal dominant limb-girdle muscular dystrophy type 1D; Muscular dystrophy, limb-girdle, autosomal dominant 1; MUSCULAR DYSTROPHY, AUTOSOMAL DOMINANT, WITH RIMMED VACUOLES. Identifiers: Orphanet 34516, MedGen C4721885, MONDO:0021018, OMIM 603511.

Allele frequency attached by ClinVar (database versions not stated): TOPMed 0.00009; gnomAD 0.00016 and 0.00008; ExAC 0.00024; 1000 Genomes Project 0.00180; 1000 Genomes Project 30x 0.00203.
gnomAD v4.1: 101 of 1,590,502 alleles (0.0064%); highest among the groups gnomAD compares: East Asian, 0.083%; no homozygotes.

Submissions (3):

Labcorp Genetics (formerly Invitae), Labcorp
Classification: Likely benign for Autosomal dominant limb-girdle muscular dystrophy type 1D (DNAJB6). Last evaluated: 2026-01-18. Review status: criteria provided, single submitter. Criteria: Invitae Variant Classification Sherloc (09022015). Collection method: clinical testing. Allele origin: germline.

Eurofins Ntd Llc (ga)
Classification: Uncertain significance. Last evaluated: 2017-08-01. Review status: criteria provided, single submitter. Criteria: EGL Classification Definitions 2015. Collection method: clinical testing. Allele origin: germline. Observed: 1 variant allele, 1 heterozygote.

PreventionGenetics, part of Exact Sciences
Classification: Likely benign for DNAJB6-related condition. Last evaluated: 2022-03-21. Review status: no assertion criteria provided. Collection method: clinical testing. Allele origin: germline. Not counted in ClinVar's aggregate classification.
Comment: This variant is classified as likely benign based on ACMG/AMP sequence variant interpretation guidelines (Richards et al. 2015 PMID: 25741868, with internal and published modifications).